The following is an entry in ClinVar:

ClinVar aggregate classification (germline): Uncertain significance (1 of 4 stars; one submission).

Conditions:
Combined immunodeficiency due to LRBA deficiency. Also called: Common variable immunodeficiency 8, with autoimmunity. Identifiers: Orphanet 445018, MedGen C3553512, MONDO:0013863, OMIM 614700.

Allele frequency attached by ClinVar (database versions not stated): gnomAD exomes below 0.00001; TOPMed below 0.00001.
gnomAD v4.1: 1 of 1,614,084 alleles (0.000062%); no homozygotes.

Submission:

Labcorp Genetics (formerly Invitae), Labcorp
Classification: Uncertain significance for Combined immunodeficiency due to LRBA deficiency. Last evaluated: 2021-08-24. Review status: criteria provided, single submitter. Criteria: Invitae Variant Classification Sherloc (09022015). Collection method: clinical testing. Allele origin: germline.
Comment: In summary, the available evidence is currently insufficient to determine the role of this variant in disease. Therefore, it has been classified as a Variant of Uncertain Significance. Algorithms developed to predict the effect of missense changes on protein structure and function are either unavailable or do not agree on the potential impact of this missense change (SIFT: "Tolerated"; PolyPhen-2: "Probably Damaging"; Align-GVGD: "Class C0"). This variant has not been reported in the literature in individuals affected with LRBA-related conditions. This variant is not present in population databases (ExAC no frequency). This sequence change replaces aspartic acid with glutamic acid at codon 2799 of the LRBA protein (p.Asp2799Glu). The aspartic acid residue is highly conserved and there is a small physicochemical difference between aspartic acid and glutamic acid.

NM_001364905.1(LRBA):c.8364C>G (p.Asp2788Glu)

Gene: LRBA (LPS responsive beige-like anchor protein; minus strand). Cytogenetic location: 4q31.3.
Variant type: single nucleotide variant.
Coding change: c.8364C>G on transcript NM_001364905.1 (MANE Select); coding-DNA position 8364, C replaced by G.
Protein change: p.Asp2788Glu; replaces aspartic acid 2788 with glutamic acid.
Molecular consequence: missense variant.
Genome position (GRCh38, 1-based): chr4:150,277,957, G>C on the plus strand (C>G on the coding strand, the complement: LRBA is on the minus strand). VCF-style: chr4-150277957-G-C. GRCh37 (hg19) VCF-style: chr4-151199109-G-C.
Other names: c.8361C>G, p.Asp2787Glu (NM_001199282.3); c.8379C>G, p.Asp2793Glu (NM_001367550.1); c.8397C>G, p.Asp2799Glu (NM_006726.5); short protein forms D2793E, D2787E, D2788E, D2799E.
Identifiers: ClinVar variation 1487683 (VCV001487683.6), dbSNP rs1426797484, ClinGen allele CA358438810.